The following is an entry in ClinVar:

ClinVar aggregate classification (germline): Conflicting classifications of pathogenicity. Review status: criteria provided, conflicting classifications (1 of 4 stars). 6 submissions from 6 submitters: Uncertain significance (1); Likely benign (4). 1 of the submissions does not count toward it. Last evaluated 2026-02-04.

Conditions:
LRP2-related disorder. Also called: LRP2-related condition.
Donnai-Barrow syndrome. Also called: DBS/FOAR SYNDROME; FACIOOCULOACOUSTICORENAL SYNDROME. Identifiers: Orphanet 2143, MedGen C1857277, MONDO:0009104, OMIM 222448.

Allele frequency attached by ClinVar (database versions not stated): gnomAD exomes 0.00013 and 0.00017; ExAC 0.00014; ESP Exome Variant Server 0.00015; gnomAD 0.00018 and 0.00019; TOPMed 0.00019.
gnomAD v4.1: 280 of 1,613,910 alleles (0.017%); highest among the groups gnomAD compares: Middle Eastern, 0.082%; no homozygotes.

Submissions (6):

Labcorp Genetics (formerly Invitae), Labcorp
Classification: Likely benign. Last evaluated: 2026-02-04. Review status: criteria provided, single submitter. Criteria: Invitae Variant Classification Sherloc (09022015). Collection method: clinical testing. Allele origin: germline.

Blueprint Genetics
Classification: Likely benign. Last evaluated: 2024-11-23. Review status: criteria provided, single submitter. Criteria: ACMG Guidelines, 2015. Collection method: clinical testing. Allele origin: germline.

CeGaT Center for Human Genetics Tuebingen
Classification: Likely benign. Last evaluated: 2024-05-01. Review status: criteria provided, single submitter. Criteria: CeGaT Center For Human Genetics Tuebingen Variant Classification Criteria Version 2. Collection method: clinical testing. Allele origin: germline. Affected: yes. Observed: 1 variant allele.
Comment: LRP2: BP4, BP7

Genome-Nilou Lab
Classification: Likely benign for Donnai-Barrow syndrome. Last evaluated: 2021-07-15. Review status: criteria provided, single submitter. Criteria: ACMG Guidelines, 2015. Collection method: clinical testing. Allele origin: germline. Affected: no.

Illumina Laboratory Services, Illumina
Classification: Uncertain significance for Donnai-Barrow syndrome. Last evaluated: 2018-01-13. Review status: criteria provided, single submitter. Criteria: ICSL Variant Classification Criteria 13 December 2019. Collection method: clinical testing. Allele origin: germline.

PreventionGenetics, part of Exact Sciences
Classification: Likely benign for LRP2-related condition. Last evaluated: 2020-03-09. Review status: no assertion criteria provided. Collection method: clinical testing. Allele origin: germline. Not counted in ClinVar's aggregate classification.
Comment: This variant is classified as likely benign based on ACMG/AMP sequence variant interpretation guidelines (Richards et al. 2015 PMID: 25741868, with internal and published modifications).

NM_004525.3(LRP2):c.11478G>A (p.Ala3826=)

Gene: LRP2 (LDL receptor related protein 2; minus strand). Cytogenetic location: 2q31.1.
Variant type: single nucleotide variant.
Coding change: c.11478G>A on transcript NM_004525.3 (MANE Select); coding-DNA position 11478, G replaced by A.
Protein change: p.Ala3826=; no amino-acid change (alanine 3826 retained).
Molecular consequence: synonymous variant.
Genome position (GRCh38, 1-based): chr2:169,169,721, C>T on the plus strand (G>A on the coding strand, the complement: LRP2 is on the minus strand). VCF-style: chr2-169169721-C-T. GRCh37 (hg19) VCF-style: chr2-170026231-C-T.
Identifiers: ClinVar variation 332091 (VCV000332091.39), dbSNP rs150464677, ClinGen allele CA1953066.